The following is an entry in ClinVar:

ClinVar aggregate classification (germline): Uncertain significance (1 of 4 stars; one submission).

Conditions:
Werner syndrome (WRN). Identifiers: Orphanet 902, MedGen C0043119, MONDO:0010196, OMIM 277700.

gnomAD v4.1: 1 of 1,611,680 alleles (0.000062%); highest among the groups gnomAD compares: Non-Finnish European, 0.000085%; no homozygotes.

Submission:

Labcorp Genetics (formerly Invitae), Labcorp
Classification: Uncertain significance for Werner syndrome. Last evaluated: 2024-04-29. Review status: criteria provided, single submitter. Criteria: Invitae Variant Classification Sherloc (09022015). Collection method: clinical testing. Allele origin: germline.
Comment: This sequence change falls in intron 18 of the WRN gene. It does not directly change the encoded amino acid sequence of the WRN protein. It affects a nucleotide within the consensus splice site. This variant is present in population databases (no rsID available, gnomAD 0.0009%). This variant has not been reported in the literature in individuals affected with WRN-related conditions. ClinVar contains an entry for this variant (Variation ID: 847910). Variants that disrupt the consensus splice site are a relatively common cause of aberrant splicing (PMID: 17576681, 9536098). Algorithms developed to predict the effect of sequence changes on RNA splicing suggest that this variant may disrupt the consensus splice site. In summary, the available evidence is currently insufficient to determine the role of this variant in disease. Therefore, it has been classified as a Variant of Uncertain Significance.

Literature cited by the submitters: PubMed 17576681; PubMed 9536098.

NM_000553.6(WRN):c.2088+4A>G

Gene: WRN (WRN RecQ like helicase; plus strand). Cytogenetic location: 8p12.
Variant type: single nucleotide variant.
Coding change: c.2088+4A>G on transcript NM_000553.6 (MANE Select); 4 bases into the intron after coding-DNA position 2088, A replaced by G.
Molecular consequence: intron variant.
Genome position (GRCh38, 1-based): chr8:31,100,959, A>G. VCF-style: chr8-31100959-A-G. GRCh37 (hg19) VCF-style: chr8-30958475-A-G.
Identifiers: ClinVar variation 847910 (VCV000847910.6), dbSNP rs764132856, ClinGen allele CA580983196.